The following is an entry in ClinVar:

NM_005720.4(ARPC1B):c.647G>A (p.Arg216His)

Gene: ARPC1B (actin related protein 2/3 complex subunit 1B; plus strand). Cytogenetic location: 7q22.1.
Variant type: single nucleotide variant.
Coding change: c.647G>A on transcript NM_005720.4 (MANE Select); coding-DNA position 647, G replaced by A.
Protein change: p.Arg216His; replaces arginine 216 with histidine.
Molecular consequence: missense variant.
Genome position (GRCh38, 1-based): chr7:99,391,039, G>A. VCF-style: chr7-99391039-G-A. GRCh37 (hg19) VCF-style: chr7-98988662-G-A.
Other names: short protein forms R216H.
Identifiers: ClinVar variation 2421431 (VCV002421431.3), dbSNP rs760543643, ClinGen allele CA4364075.
Genomic context (GRCh38, chr7:99,391,039, plus strand): 5'-TCGAATCCAGCAGTAGCTGCGGCTGGGTACATGGCGTCTGTTTCTCAGCCAGCGGGAGCC[G>A]CGTGGCCTGGGTAAGCCACGACAGCACCGTCTGCCTGGCTGATGCCGACAAGAAGATGGC-3'
Protein context (NP_005711.1, residues 206-226): HGVCFSASGS[Arg216His]VAWVSHDSTV

ClinVar aggregate classification (germline): Uncertain significance (1 of 4 stars; one submission).

Allele frequency attached by ClinVar (database versions not stated): TOPMed below 0.00001.
gnomAD v4.1: 14 of 1,613,926 alleles (0.00087%); highest among the groups gnomAD compares: East Asian, 0.0045%; no homozygotes.

Submission:

Labcorp Genetics (formerly Invitae), Labcorp
Classification: Uncertain significance. Last evaluated: 2021-12-06. Review status: criteria provided, single submitter. Criteria: Invitae Variant Classification Sherloc (09022015). Collection method: clinical testing. Allele origin: germline.
Comment: This sequence change replaces arginine, which is basic and polar, with histidine, which is basic and polar, at codon 216 of the ARPC1B protein (p.Arg216His). This variant is present in population databases (rs760543643, gnomAD 0.003%). This variant has not been reported in the literature in individuals affected with ARPC1B-related conditions. Algorithms developed to predict the effect of missense changes on protein structure and function are either unavailable or do not agree on the potential impact of this missense change (SIFT: "Deleterious"; PolyPhen-2: "Benign"; Align-GVGD: "Class C0"). In summary, the available evidence is currently insufficient to determine the role of this variant in disease. Therefore, it has been classified as a Variant of Uncertain Significance.